The following is an entry in ClinVar:

ClinVar aggregate classification (germline): Conflicting classifications of pathogenicity. Review status: criteria provided, conflicting classifications (1 of 4 stars). 3 submissions from 3 submitters: Uncertain significance (2); Likely benign (1). Last evaluated 2025-10-28.

Conditions:
Hereditary breast ovarian cancer syndrome. Also called: Hereditary breast and ovarian cancer syndrome (HBOC); BRCA1- and BRCA2-Associated Hereditary Breast and Ovarian Cancer; Hereditary breast and ovarian cancer syndrome; Breast and ovarian cancer; Hereditary breast and ovarian cancer; Hereditary breast and/or ovarian cancer syndrome. Identifiers: Orphanet 145, MedGen C0677776, MeSH D061325, MONDO:0003582. Disease mechanism: loss of function.
Hereditary cancer-predisposing syndrome. Also called: Hereditary neoplastic syndrome; Neoplastic Syndromes, Hereditary; Tumor predisposition; Hereditary Cancer Syndrome. Identifiers: Orphanet 140162, MedGen C0027672, MeSH D009386, MONDO:0015356.

Submissions (3):

Ambry Genetics
Classification: Uncertain significance for Hereditary cancer-predisposing syndrome. Last evaluated: 2025-10-28. Review status: criteria provided, single submitter. Criteria: Ambry Variant Classification Scheme 2023. Collection method: clinical testing. Allele origin: germline.
Comment: The p.P412S variant (also known as c.1234C>T), located in coding exon 9 of the BRCA2 gene, results from a C to T substitution at nucleotide position 1234. The proline at codon 412 is replaced by serine, an amino acid with similar properties. This amino acid position is not well conserved in available vertebrate species. In addition, this alteration is predicted to be tolerated by in silico analysis. Since supporting evidence is limited at this time, the clinical significance of this alteration remains unclear.

Labcorp Genetics (formerly Invitae), Labcorp
Classification: Uncertain significance for Hereditary breast ovarian cancer syndrome. Last evaluated: 2025-08-19. Review status: criteria provided, single submitter. Criteria: Invitae Variant Classification Sherloc (09022015). Collection method: clinical testing. Allele origin: germline.
Comment: This sequence change replaces proline, which is neutral and non-polar, with serine, which is neutral and polar, at codon 412 of the BRCA2 protein (p.Pro412Ser). This variant is not present in population databases (gnomAD no frequency). This variant has not been reported in the literature in individuals affected with BRCA2-related conditions. ClinVar contains an entry for this variant (Variation ID: 531278). Invitae Evidence Modeling of protein sequence and biophysical properties (such as structural, functional, and spatial information, amino acid conservation, physicochemical variation, residue mobility, and thermodynamic stability) indicates that this missense variant is not expected to disrupt BRCA2 protein function with a negative predictive value of 95%. In summary, the available evidence is currently insufficient to determine the role of this variant in disease. Therefore, it has been classified as a Variant of Uncertain Significance.

University of Washington Department of Laboratory Medicine, University of Washington
Classification: Likely benign for Hereditary cancer-predisposing syndrome. Last evaluated: 2023-03-23. Review status: criteria provided, single submitter. Criteria: Dines et al. (Genet Med. 2020). Collection method: curation. Allele origin: germline.
Comment: Missense variant in a coldspot region where missense variants are very unlikely to be pathogenic (PMID:31911673).

BRCA2 exon 10 coldspot. Reclassification based on statistical prior probability.

NM_000059.4(BRCA2):c.1234C>T (p.Pro412Ser)

Gene: BRCA2 (BRCA2 DNA repair associated; plus strand). Cytogenetic location: 13q13.1.
Variant type: single nucleotide variant.
Coding change: c.1234C>T on transcript NM_000059.4 (MANE Select); coding-DNA position 1234, C replaced by T.
Protein change: p.Pro412Ser; replaces proline 412 with serine.
Molecular consequence: missense variant.
Genome position (GRCh38, 1-based): chr13:32,332,712, C>T. VCF-style: chr13-32332712-C-T. GRCh37 (hg19) VCF-style: chr13-32906849-C-T.
Other names: short protein forms P412S.
Identifiers: ClinVar variation 531278 (VCV000531278.15), dbSNP rs1555281787, ClinGen allele CA387762204.